The following is an entry in ClinVar:

NM_004568.6(SERPINB6):c.18A>G (p.Glu6=)

Gene: SERPINB6 (serpin family B member 6; minus strand). Cytogenetic location: 6p25.2.
Variant type: single nucleotide variant.
Coding change: c.18A>G on transcript NM_004568.6 (MANE Select); coding-DNA position 18, A replaced by G.
Protein change: p.Glu6=; no amino-acid change (glutamic acid 6 retained).
Molecular consequence: synonymous variant. On other transcripts: non-coding transcript variant (1), intron variant (1).
Genome position (GRCh38, 1-based): chr6:2,959,315, T>C on the plus strand (A>G on the coding strand, the complement: SERPINB6 is on the minus strand). VCF-style: chr6-2959315-T-C. GRCh37 (hg19) VCF-style: chr6-2959549-T-C.
Other names: c.30A>G, p.Glu10= (NM_001195291.3, NM_001374515.1); c.60A>G, p.Glu20= (NM_001271822.2); c.75A>G, p.Glu25= (NM_001271823.2); c.18A>G, p.Glu6= (NM_001271824.2, NM_001271825.2, NM_001297699.2 and 2 more transcripts); c.34-3645A>G (NM_001374517.1); c.18A>G (NM_004568.5).
Identifiers: ClinVar variation 179870 (VCV000179870.10), dbSNP rs727505182, ClinGen allele CA185312.

ClinVar aggregate classification (germline): Likely benign. Review status: criteria provided, multiple submitters, no conflicts (2 of 4 stars). 3 submissions from 3 submitters: Likely benign (3). Last evaluated 2026-07-15.

Conditions:
SERPINB6-related disorder. Also called: SERPINB6-related condition.

Allele frequency attached by ClinVar (database versions not stated): gnomAD exomes 0.00009 and 0.00003; ExAC 0.00003; TOPMed 0.00004; gnomAD 0.00005.
gnomAD v4.1: 132 of 1,614,088 alleles (0.0082%); highest among the groups gnomAD compares: Non-Finnish European, 0.011%; no homozygotes.

Submissions (3):

PreventionGenetics, part of Exact Sciences
Classification: Likely benign for SERPINB6-related condition. Last evaluated: 2026-07-15. Review status: criteria provided, single submitter. Criteria: ACMG Guidelines, 2015. Collection method: clinical testing. Allele origin: germline.
Comment: This variant is classified as likely benign based on ACMG/AMP sequence variant interpretation guidelines (Richards et al. 2015 PMID: 25741868, with internal and published modifications).

Labcorp Genetics (formerly Invitae), Labcorp
Classification: Likely benign. Last evaluated: 2022-03-04. Review status: criteria provided, single submitter. Criteria: Invitae Variant Classification Sherloc (09022015). Collection method: clinical testing. Allele origin: germline.

Laboratory for Molecular Medicine, Mass General Brigham Personalized Medicine
Classification: Likely benign. Last evaluated: 2014-07-09. Review status: criteria provided, single submitter. Criteria: LMM Criteria. Collection method: clinical testing. Allele origin: germline. Observed: 1 variant allele.
Comment: Glu6Glu in exon 3 of SERPINB6: This variant is not expected to have clinical sig nificance because it does not alter an amino acid residue and is not located wit hin the splice consensus sequence.